The following is an entry in ClinVar:

NM_000404.4(GLB1):c.457+3A>G

Gene: GLB1 (galactosidase beta 1; minus strand). Cytogenetic location: 3p22.3.
Variant type: single nucleotide variant.
Coding change: c.457+3A>G on transcript NM_000404.4 (MANE Select); 3 bases into the intron after coding-DNA position 457, A replaced by G.
Molecular consequence: intron variant.
Genome position (GRCh38, 1-based): chr3:33,068,227, T>C on the plus strand (A>G on the coding strand, the complement: GLB1 is on the minus strand). VCF-style: chr3-33068227-T-C. GRCh37 (hg19) VCF-style: chr3-33109719-T-C.
Other names: c.457+3A>G (NM_001393580.1); c.246-2670A>G (NM_001135602.3); c.601+3A>G (NM_001317040.2); c.367+3A>G (NM_001079811.3).
Identifiers: ClinVar variation 2083621 (VCV002083621.1), dbSNP rs781194739, ClinGen allele CA2299698.

ClinVar aggregate classification (germline): Uncertain significance (1 of 4 stars; one submission).

Conditions:
GM1 gangliosidosis. Identifiers: Orphanet 354, MedGen C0085131, MONDO:0018149.
Mucopolysaccharidosis, MPS-IV-B (MPS4B). Also called: MORQUIO SYNDROME B; Mucopolysaccharidosis Type IVB (Morquio B Disease); Mucopolysaccharidosis type IV B; Mucopolysaccharidosis Type IVB; Mucopolysaccharidosis type 4B; Mucopolysaccharidosis type IVB (Morquio). Identifiers: Orphanet 309310, Orphanet 582, MedGen C0086652, MONDO:0009660, OMIM 253010.

Allele frequency attached by ClinVar (database versions not stated): gnomAD exomes below 0.00001; ExAC 0.00001; gnomAD 0.00001; TOPMed 0.00003.
gnomAD v4.1: 5 of 1,613,890 alleles (0.00031%); highest among the groups gnomAD compares: African/African-American, 0.0027%; no homozygotes.

Submission:

Labcorp Genetics (formerly Invitae), Labcorp
Classification: Uncertain significance for Mucopolysaccharidosis, MPS-IV-B; GM1 gangliosidosis. Last evaluated: 2022-03-14. Review status: criteria provided, single submitter. Criteria: Invitae Variant Classification Sherloc (09022015). Collection method: clinical testing. Allele origin: germline.
Comment: This sequence change falls in intron 4 of the GLB1 gene. It does not directly change the encoded amino acid sequence of the GLB1 protein. It affects a nucleotide within the consensus splice site. This variant is present in population databases (rs781194739, gnomAD 0.007%). This variant has not been reported in the literature in individuals affected with GLB1-related conditions. Variants that disrupt the consensus splice site are a relatively common cause of aberrant splicing (PMID: 17576681, 9536098). Algorithms developed to predict the effect of sequence changes on RNA splicing suggest that this variant may disrupt the consensus splice site. In summary, the available evidence is currently insufficient to determine the role of this variant in disease. Therefore, it has been classified as a Variant of Uncertain Significance.

Literature cited by the submitters: PubMed 17576681; PubMed 9536098.